The following is an entry in ClinVar:

NM_006147.4(IRF6):c.1386del (p.Ala463fs)

Gene: IRF6 (interferon regulatory factor 6; minus strand). Cytogenetic location: 1q32.2.
Variant type: Deletion.
Coding change: c.1386del on transcript NM_006147.4 (MANE Select); coding-DNA position 1386, one base deleted (T; older notation c.1386delT).
Protein change: p.Ala463fs; shifts the reading frame from alanine 463.
Molecular consequence: frameshift variant.
Genome position (GRCh38, 1-based): chr1:209,788,438, A deleted on the plus strand (T on the coding strand, the reverse complement: IRF6 is on the minus strand). VCF-style (leftmost placement, unchanged base first): chr1-209788437-CA-C. GRCh37 (hg19) VCF-style: chr1-209961782-CA-C.
Other names: c.1101del, p.Ala368fs (NM_001206696.2); short protein forms A463fs, A368fs.
Identifiers: ClinVar variation 2951994 (VCV002951994.3), dbSNP rs2464663653, ClinGen allele CA2740090304.

ClinVar aggregate classification (germline): Uncertain significance (1 of 4 stars; one submission).

Conditions:
Popliteal pterygium syndrome (PPS). Identifiers: Orphanet 294963, MedGen C0265259, MONDO:0017435.
Orofacial cleft 6, susceptibility to (OFC6). Also called: CLEFT LIP WITH OR WITHOUT CLEFT PALATE, NONSYNDROMIC, 6. Identifiers: MedGen C1837213, MONDO:0012141, OMIM 608864.
Van der Woude syndrome. Identifiers: Orphanet 888, MedGen C0175697, MONDO:0019508.

Submission:

Labcorp Genetics (formerly Invitae), Labcorp
Classification: Uncertain significance for Orofacial cleft 6, susceptibility to; Van der Woude syndrome; Popliteal pterygium syndrome. Last evaluated: 2023-09-17. Review status: criteria provided, single submitter. Criteria: Invitae Variant Classification Sherloc (09022015). Collection method: clinical testing. Allele origin: germline.
Comment: In summary, the available evidence is currently insufficient to determine the role of this variant in disease. Therefore, it has been classified as a Variant of Uncertain Significance. This frameshift has been observed in individual(s) with clinical features of van der Woude syndrome (Invitae). This variant is not present in population databases (gnomAD no frequency). This sequence change results in a frameshift in the IRF6 gene (p.Ala463Profs*28). While this is not anticipated to result in nonsense mediated decay, it is expected to disrupt the last 5 amino acid(s) of the IRF6 protein and extend the protein by 22 additional amino acid residues.